The following is an entry in ClinVar:

ClinVar aggregate classification (germline): Conflicting classifications of pathogenicity. Review status: criteria provided, conflicting classifications (1 of 4 stars). 2 submissions from 2 submitters: Likely pathogenic (1); Uncertain significance (1). Last evaluated 2026-02-06.

Allele frequency attached by ClinVar (database versions not stated): gnomAD exomes below 0.00001.

Submissions (2):

GeneDx
Classification: Likely pathogenic. Last evaluated: 2026-02-06. Review status: criteria provided, single submitter. Criteria: GeneDx Variant Classification Process June 2021. Collection method: clinical testing. Allele origin: germline.
Comment: Reported in multiple patients with erythropoietic protoporphyria in the published literature; however, a second variant in FECH gene was not reported (PMID: 20412370); Not observed at significant frequency in large population cohorts (gnomAD); In silico analysis supports that this missense variant has a deleterious effect on protein structure/function; This variant is associated with the following publications: (PMID: 20412370)

Labcorp Genetics (formerly Invitae), Labcorp
Classification: Uncertain significance. Last evaluated: 2025-07-07. Review status: criteria provided, single submitter. Criteria: Invitae Variant Classification Sherloc (09022015). Collection method: clinical testing. Allele origin: germline.
Comment: This sequence change replaces tyrosine, which is neutral and polar, with cysteine, which is neutral and slightly polar, at codon 160 of the FECH protein (p.Tyr160Cys). This variant is not present in population databases (gnomAD no frequency). This missense change has been observed in individual(s) with erythropoietic protoporphyria (PMID: 20412370; internal data). In at least one individual the data is consistent with being in trans (on the opposite chromosome) from a pathogenic variant. ClinVar contains an entry for this variant (Variation ID: 2138162). Invitae Evidence Modeling of protein sequence and biophysical properties (such as structural, functional, and spatial information, amino acid conservation, physicochemical variation, residue mobility, and thermodynamic stability) indicates that this missense variant is expected to disrupt FECH protein function with a positive predictive value of 80%. In summary, the available evidence is currently insufficient to determine the role of this variant in disease. Therefore, it has been classified as a Variant of Uncertain Significance.

Literature cited by the submitters: PubMed 20412370 (cited by Labcorp Genetics (formerly Invitae), Labcorp).

NM_000140.5(FECH):c.479A>G (p.Tyr160Cys)

Gene: FECH (ferrochelatase; minus strand). Cytogenetic location: 18q21.31.
Variant type: single nucleotide variant.
Coding change: c.479A>G on transcript NM_000140.5 (MANE Select); coding-DNA position 479, A replaced by G.
Protein change: p.Tyr160Cys; replaces tyrosine 160 with cysteine.
Molecular consequence: missense variant.
Genome position (GRCh38, 1-based): chr18:57,566,566, T>C on the plus strand (A>G on the coding strand, the complement: FECH is on the minus strand). VCF-style: chr18-57566566-T-C. GRCh37 (hg19) VCF-style: chr18-55233798-T-C.
Other names: c.497A>G, p.Tyr166Cys (NM_001012515.4); c.479A>G, p.Tyr160Cys (NM_001371094.1, NM_001374778.1); c.263A>G, p.Tyr88Cys (NM_001371095.1); c.479A>G (NM_000140.3); short protein forms Y166C, Y160C, Y88C.
Identifiers: ClinVar variation 2138162 (VCV002138162.4), dbSNP rs2051019667, ClinGen allele CA402536339.
Genomic context (GRCh38, chr18:57,566,566, plus strand): 5'-TCTCTCTCCATCTCTTCAATTGCTTCTTCTGTTAAAGGATGGACGTACCGAAATCCAATA[T>C]AGTATTTGTGAGGGGCTATTAGGAAGCACATGTGGAAAGGAGAAAGTGTTAATCCTTATA-3'
Protein context (NP_000131.2, residues 150-170): LSPNTAPHKY[Tyr160Cys]IGFRYVHPLT